The following is an entry in ClinVar:

ClinVar aggregate classification (germline): Pathogenic/Likely pathogenic. Review status: criteria provided, multiple submitters, no conflicts (2 of 4 stars). 4 submissions from 4 submitters: Pathogenic (2); Likely pathogenic (1). 1 of the submissions does not count toward it. Last evaluated 2025-12-03.

Conditions:
PHKB-related disorder. Also called: PHKB-related condition.
Glycogen storage disease IXb (GSD9B). Also called: GLYCOGENOSIS OF LIVER AND MUSCLE, AUTOSOMAL RECESSIVE; GSD IXb; PHOSPHORYLASE KINASE DEFICIENCY OF LIVER AND MUSCLE, AUTOSOMAL RECESSIVE. Identifiers: Orphanet 79240, MedGen C0543514, MONDO:0009868, OMIM 261750.

Allele frequency attached by ClinVar (database versions not stated): ExAC 0.00005; gnomAD exomes 0.00006 and 0.00011; gnomAD 0.00007; TOPMed 0.00007; ESP Exome Variant Server 0.00015.
gnomAD v4.1: 148 of 1,482,790 alleles (0.01%); highest among the groups gnomAD compares: Non-Finnish European, 0.013%; no homozygotes.

Submissions (4):

Labcorp Genetics (formerly Invitae), Labcorp
Classification: Pathogenic for Glycogen storage disease IXb. Last evaluated: 2025-12-03. Review status: criteria provided, single submitter. Criteria: Invitae Variant Classification Sherloc (09022015). Collection method: clinical testing. Allele origin: germline.
Comment: This sequence change creates a premature translational stop signal (p.Glu364*) in the PHKB gene. It is expected to result in an absent or disrupted protein product. Loss-of-function variants in PHKB are known to be pathogenic (PMID: 9215682, 9326319). This variant is present in population databases (rs371296953, gnomAD 0.01%). This premature translational stop signal has been observed in individual(s) with glycogen storage disease (PMID: 21646031). ClinVar contains an entry for this variant (Variation ID: 632256). Algorithms developed to predict the effect of sequence changes on RNA splicing suggest that this variant may disrupt the consensus splice site. For these reasons, this variant has been classified as Pathogenic.

Fulgent Genetics
Classification: Pathogenic for Glycogen storage disease IXb. Last evaluated: 2024-05-20. Review status: criteria provided, single submitter. Criteria: ACMG Guidelines, 2015. Collection method: clinical testing. Allele origin: germline.

Illumina Laboratory Services, Illumina
Classification: Likely pathogenic for Glycogen storage disease IXb. Last evaluated: 2018-12-04. Review status: criteria provided, single submitter. Criteria: ICSL Variant Classification Criteria 09 May 2019. Collection method: clinical testing. Allele origin: germline.
Comment: The PHKB c.1090G>T (p.Glu364Ter) variant is a stop-gained variant that is predicted to result in a premature termination of the protein. The p.Glu364Ter variant has been reported in two studies in which it is found in two probands with phosphorylase kinase deficiency in a compound heterozygous state with another stop-gained variant (Davit-Spraul et al. 2011; Brown et al. 2015). Control data are unavailable for this variant, which is reported at a frequency of 0.000135 in the European (non-Finnish) population of the Genome Aggregation Database. Due to the potential impact of stop-gained variants and supporting evidence, the p.Glu364Ter variant is classified as likely pathogenic for phosphorylase kinase deficiency. This variant was observed by ICSL as part of a predisposition screen in an ostensibly healthy population.

PreventionGenetics, part of Exact Sciences
Classification: Likely pathogenic for PHKB-related condition. Last evaluated: 2024-07-11. Review status: no assertion criteria provided. Collection method: clinical testing. Allele origin: germline. Not counted in ClinVar's aggregate classification.
Comment: The PHKB c.1069G>T variant is predicted to result in premature protein termination (p.Glu357*). This variant has been reported in individuals with glycogen storage disease (denoted as p.R364X, Davit-Spraul et al. 2011. PubMed ID: 21646031; denoted E364X, Brown et al. 2014. PubMed ID: 25070466). This variant is reported in 0.014% of alleles in individuals of European (Non-Finnish) descent in gnomAD. Nonsense variants in PHKB are expected to be pathogenic. This variant is interpreted as likely pathogenic.

Literature cited by the submitters: PubMed 9215682 (cited by Labcorp Genetics (formerly Invitae), Labcorp); PubMed 9326319 (cited by Labcorp Genetics (formerly Invitae), Labcorp); PubMed 21646031 (cited by Labcorp Genetics (formerly Invitae), Labcorp and Illumina Laboratory Services, Illumina); PubMed 25070466 (cited by Illumina Laboratory Services, Illumina).

NM_000293.3(PHKB):c.1090G>T (p.Glu364Ter)

Gene: PHKB (phosphorylase kinase regulatory subunit beta; plus strand). Cytogenetic location: 16q12.1.
Variant type: single nucleotide variant.
Coding change: c.1090G>T on transcript NM_000293.3 (MANE Select); coding-DNA position 1090, G replaced by T.
Protein change: p.Glu364Ter; replaces glutamic acid 364 with a stop codon.
Molecular consequence: nonsense.
Genome position (GRCh38, 1-based): chr16:47,593,521, G>T. VCF-style: chr16-47593521-G-T. GRCh37 (hg19) VCF-style: chr16-47627432-G-T.
Other names: c.1069G>T, p.Glu357Ter (NM_001031835.3); c.1090G>T, p.Glu364Ter (NM_001363837.1); c.1069G>T (NM_001031835.2); short protein forms E364*, E357*.
Identifiers: ClinVar variation 632256 (VCV000632256.13), dbSNP rs371296953, ClinGen allele CA8040689.